The following is an entry in ClinVar:

ClinVar aggregate classification (germline): Uncertain significance (1 of 4 stars; one submission).

Allele frequency attached by ClinVar (database versions not stated): gnomAD exomes below 0.00001; TOPMed below 0.00001; gnomAD 0.00001.
gnomAD v4.1: 4 of 1,610,490 alleles (0.00025%); highest among the groups gnomAD compares: Admixed American, 0.0033%; no homozygotes.

Submission:

Labcorp Genetics (formerly Invitae), Labcorp
Classification: Uncertain significance. Last evaluated: 2024-12-31. Review status: criteria provided, single submitter. Criteria: Invitae Variant Classification Sherloc (09022015). Collection method: clinical testing. Allele origin: germline.
Comment: This sequence change replaces proline, which is neutral and non-polar, with alanine, which is neutral and non-polar, at codon 1047 of the SI protein (p.Pro1047Ala). This variant is present in population databases (no rsID available, gnomAD 0.006%). This variant has not been reported in the literature in individuals affected with SI-related conditions. ClinVar contains an entry for this variant (Variation ID: 2917255). Invitae Evidence Modeling of protein sequence and biophysical properties (such as structural, functional, and spatial information, amino acid conservation, physicochemical variation, residue mobility, and thermodynamic stability) has been performed for this missense variant. However, the output from this modeling did not meet the statistical confidence thresholds required to predict the impact of this variant on SI protein function. In summary, the available evidence is currently insufficient to determine the role of this variant in disease. Therefore, it has been classified as a Variant of Uncertain Significance.

NM_001041.4(SI):c.3139C>G (p.Pro1047Ala)

Gene: SI (sucrase-isomaltase; minus strand). Cytogenetic location: 3q26.1.
Variant type: single nucleotide variant.
Coding change: c.3139C>G on transcript NM_001041.4 (MANE Select); coding-DNA position 3139, C replaced by G.
Protein change: p.Pro1047Ala; replaces proline 1047 with alanine.
Molecular consequence: missense variant.
Genome position (GRCh38, 1-based): chr3:165,021,344, G>C on the plus strand (C>G on the coding strand, the complement: SI is on the minus strand). VCF-style: chr3-165021344-G-C. GRCh37 (hg19) VCF-style: chr3-164739132-G-C.
Other names: short protein forms P1047A.
Identifiers: ClinVar variation 2917255 (VCV002917255.2), dbSNP rs972992233, ClinGen allele CA86516915.
Genomic context (GRCh38, chr3:165,021,344, plus strand): 5'-TTTCCACATCATAAAGTCTGTCTTCATAAGTACTTATTGGGGTGGTTGGAATGTTTAACG[G>C]TACTGGTACTTCATATCTCTTCTTTTGGGGATCATAAATCTATTGCAGATAAGTAGTAAA-3'
Protein context (NP_001032.2, residues 1037-1057): PQKKRYEVPV[Pro1047Ala]LNIPTTPIST